The following is an entry in ClinVar:

NM_138704.4(NSMCE3):c.495C>G (p.Ala165=)

Genes: NSMCE3 (NSE3 component of SMC5/6 complex; minus strand), ENTREP2 (endosomal transmembrane epsin interactor 2; minus strand). Cytogenetic location: 15q13.1.
Variant type: single nucleotide variant.
Coding change: c.495C>G on transcript NM_138704.4 (MANE Select); coding-DNA position 495, C replaced by G.
Protein change: p.Ala165=; no amino-acid change (alanine 165 retained).
Molecular consequence: synonymous variant. On other transcripts: intron variant (5).
Genome position (GRCh38, 1-based): chr15:29,269,211, G>C on the plus strand (C>G on the coding strand, the complement: NSMCE3 is on the minus strand). VCF-style: chr15-29269211-G-C. GRCh37 (hg19) VCF-style: chr15-29561415-G-C.
Other names: c.-12-16733C>G (NM_001387217.1, NM_001387215.1, NM_001387216.1); c.277-16733C>G (NM_001387214.1, NM_015307.2).
Identifiers: ClinVar variation 775353 (VCV000775353.30), dbSNP rs147056589, ClinGen allele CA7446114.

ClinVar aggregate classification (germline): Benign/Likely benign. Review status: criteria provided, multiple submitters, no conflicts (2 of 4 stars). 4 submissions from 4 submitters: Benign (2); Likely benign (2). Last evaluated 2026-04-01.

Allele frequency attached by ClinVar (database versions not stated): 1000 Genomes Project 30x 0.00094; 1000 Genomes Project 0.00120; TOPMed 0.00213; ESP Exome Variant Server 0.00323; ExAC 0.00326.
gnomAD v4.1: 4,480 of 1,614,102 alleles (0.28%); highest among the groups gnomAD compares: South Asian, 0.74%; 15 homozygotes.

Submissions (4):

CeGaT Center for Human Genetics Tuebingen
Classification: Likely benign. Last evaluated: 2026-04-01. Review status: criteria provided, single submitter. Criteria: CeGaT Center For Human Genetics Tuebingen Variant Classification Criteria Version 2. Collection method: clinical testing. Allele origin: germline. Affected: yes. Observed: 2 variant alleles.
Comment: NSMCE3: BP4, BP7, BS2

Labcorp Genetics (formerly Invitae), Labcorp
Classification: Benign. Last evaluated: 2026-02-02. Review status: criteria provided, single submitter. Criteria: Invitae Variant Classification Sherloc (09022015). Collection method: clinical testing. Allele origin: germline.

Blueprint Genetics
Classification: Likely benign. Last evaluated: 2024-11-26. Review status: criteria provided, single submitter. Criteria: ACMG Guidelines, 2015. Collection method: clinical testing. Allele origin: germline.

Breakthrough Genomics
Classification: Benign. Review status: criteria provided, single submitter. Criteria: ACMG Guidelines, 2015. Collection method: not provided. Allele origin: germline. Inheritance: Autosomal recessive inheritance. Affected: yes.